The following is an entry in ClinVar:

ClinVar aggregate classification (germline): Pathogenic (1 of 4 stars; one submission).

Conditions:
Inborn genetic diseases. Identifiers: MedGen C0950123, MeSH D030342.

Submission:

Ambry Genetics
Classification: Pathogenic for Inborn genetic diseases. Last evaluated: 2024-06-04. Review status: criteria provided, single submitter. Criteria: Ambry Variant Classification Scheme 2023. Collection method: clinical testing. Allele origin: germline.
Comment: The c.1270delG (p.D424Ifs*10) alteration, located in exon 11 (coding exon 10) of the UGDH gene, consists of a deletion of one nucleotide at position 1270, causing a translational frameshift with a predicted alternate stop codon after 10 amino acids. This alteration is expected to result in loss of function by premature protein truncation or nonsense-mediated mRNA decay. This variant was not reported in population-based cohorts in the Genome Aggregation Database (gnomAD). Based on the available evidence, this alteration is classified as pathogenic.

NM_003359.4(UGDH):c.1270del (p.Asp424fs)

Gene: UGDH (UDP-glucose 6-dehydrogenase; minus strand). Cytogenetic location: 4p14.
Variant type: Deletion.
Coding change: c.1270del on transcript NM_003359.4 (MANE Select); coding-DNA position 1270, one base deleted (G; older notation c.1270delG).
Protein change: p.Asp424fs; shifts the reading frame from aspartic acid 424.
Molecular consequence: frameshift variant.
Genome position (GRCh38, 1-based): chr4:39,503,979, C deleted on the plus strand (G on the coding strand, the reverse complement: UGDH is on the minus strand); the first of 2 consecutive C bases (chr4:39,503,979-39,503,980); deleting either gives the same sequence. VCF-style (leftmost placement, unchanged base first): chr4-39503978-TC-T. GRCh37 (hg19) VCF-style: chr4-39505598-TC-T.
Other names: c.1069del, p.Asp357fs (NM_001184700.2); c.979del, p.Asp327fs (NM_001184701.2); short protein forms D424fs, D327fs, D357fs.
Identifiers: ClinVar variation 3330806 (VCV003330806.1).
Genomic context (GRCh38, chr4:39,503,978, plus strand): 5'-ACACGCCGTCCATCGAAGATAAAGGCTGGCTTTAGCATTTTTTTATGAATGCGTTCATAA[TC>T]CAATTCCTGTAAAGACAAACCACAGGAACAATTAAAACACATACGTGGGCCGGGCGGAGT-3'